The following is an entry in ClinVar:

ClinVar aggregate classification (germline): Likely benign (1 of 4 stars; one submission).

gnomAD v4.1: 22 of 777,612 alleles (0.0028%); highest among the groups gnomAD compares: Non-Finnish European, 0.0048%; no homozygotes.

Submission:

CeGaT Center for Human Genetics Tuebingen
Classification: Likely benign. Last evaluated: 2025-04-01. Review status: criteria provided, single submitter. Criteria: CeGaT Center For Human Genetics Tuebingen Variant Classification Criteria Version 2. Collection method: clinical testing. Allele origin: germline. Affected: yes. Observed: 1 variant allele.
Comment: C1R: BS2

NM_001733.7(C1R):c.929C>T (p.Pro310Leu)

Gene: C1R (complement C1r; minus strand). Cytogenetic location: 12p13.31.
Variant type: single nucleotide variant.
Coding change: c.929C>T on transcript NM_001733.7 (MANE Select); coding-DNA position 929, C replaced by T.
Protein change: p.Pro310Leu; replaces proline 310 with leucine.
Molecular consequence: missense variant.
Genome position (GRCh38, 1-based): chr12:7,088,719, G>A on the plus strand (C>T on the coding strand, the complement: C1R is on the minus strand). VCF-style: chr12-7088719-G-A. GRCh37 (hg19) VCF-style: chr12-7241315-G-A.
Other names: c.971C>T, p.Pro324Leu (NM_001354346.2); short protein forms P310L, P324L.
Identifiers: ClinVar variation 3898341 (VCV003898341.7).